The following is an entry in ClinVar:

NM_004136.4(IREB2):c.2666C>T (p.Ala889Val)

Gene: IREB2 (iron responsive element binding protein 2; plus strand). Cytogenetic location: 15q25.1.
Variant type: single nucleotide variant.
Coding change: c.2666C>T on transcript NM_004136.4 (MANE Select); coding-DNA position 2666, C replaced by T.
Protein change: p.Ala889Val; replaces alanine 889 with valine.
Molecular consequence: missense variant.
Genome position (GRCh38, 1-based): chr15:78,497,196, C>T. VCF-style: chr15-78497196-C-T. GRCh37 (hg19) VCF-style: chr15-78789538-C-T.
Other names: c.1916C>T, p.Ala639Val (NM_001320941.2); c.2495C>T, p.Ala832Val (NM_001320942.2, NM_001354994.2); short protein forms A639V, A832V, A889V.
Identifiers: ClinVar variation 2170826 (VCV002170826.4), dbSNP rs766801790, ClinGen allele CA7683298.

ClinVar aggregate classification (germline): Uncertain significance (1 of 4 stars; one submission).

Allele frequency attached by ClinVar (database versions not stated): ExAC 0.00002; gnomAD 0.00003; gnomAD exomes 0.00003; TOPMed 0.00004.
gnomAD v4.1: 45 of 1,613,612 alleles (0.0028%); highest among the groups gnomAD compares: Middle Eastern, 0.049%; no homozygotes.

Submission:

Labcorp Genetics (formerly Invitae), Labcorp
Classification: Uncertain significance. Last evaluated: 2022-07-16. Review status: criteria provided, single submitter. Criteria: Invitae Variant Classification Sherloc (09022015). Collection method: clinical testing. Allele origin: germline.
Comment: This sequence change replaces alanine, which is neutral and non-polar, with valine, which is neutral and non-polar, at codon 889 of the IREB2 protein (p.Ala889Val). This variant is present in population databases (rs766801790, gnomAD 0.006%). This variant has not been reported in the literature in individuals affected with IREB2-related conditions. Algorithms developed to predict the effect of missense changes on protein structure and function output the following: SIFT: "Not Available"; PolyPhen-2: "Benign"; Align-GVGD: "Not Available". The valine amino acid residue is found in multiple mammalian species, which suggests that this missense change does not adversely affect protein function. In summary, the available evidence is currently insufficient to determine the role of this variant in disease. Therefore, it has been classified as a Variant of Uncertain Significance.